The following is an entry in ClinVar:

NM_001165963.4(SCN1A):c.4786C>A (p.Arg1596Ser)

Genes: SCN1A (sodium voltage-gated channel alpha subunit 1; minus strand), LOC102724058 (uncharacterized LOC102724058; plus strand). Cytogenetic location: 2q24.3.
Variant type: single nucleotide variant.
Coding change: c.4786C>A on transcript NM_001165963.4 (MANE Select); coding-DNA position 4786, C replaced by A.
Protein change: p.Arg1596Ser; replaces arginine 1596 with serine.
Molecular consequence: missense variant. On other transcripts: non-coding transcript variant (1).
Genome position (GRCh38, 1-based): chr2:165,994,212, G>T on the plus strand (C>A on the coding strand, the complement: SCN1A is on the minus strand). VCF-style: chr2-165994212-G-T. GRCh37 (hg19) VCF-style: chr2-166850722-G-T.
Other names: c.4702C>A, p.Arg1568Ser (NM_001165964.3, NM_001353957.2, NM_001353958.2); c.4786C>A, p.Arg1596Ser (NM_001202435.3, NM_001353948.2); c.4753C>A, p.Arg1585Ser (NM_001353949.2, NM_006920.6, NM_001353950.2 and 2 more transcripts); c.4750C>A, p.Arg1584Ser (NM_001353954.2, NM_001353955.2); c.4699C>A, p.Arg1567Ser (NM_001353960.2); c.2344C>A, p.Arg782Ser (NM_001353961.2); short protein forms R1584S, R1585S, R1567S, R782S, R1568S, R1596S.
Identifiers: ClinVar variation 1993385 (VCV001993385.4), dbSNP rs121917993, ClinGen allele CA349071526.
Genomic context (GRCh38, chr2:165,994,212, plus strand): 5'-TGGAGAGAATGACAACCACAAAATCAAAAATATTCCATCCAATGGTAAAATAATAATGGC[G>T]TAGAGAGATGAGTTTCAGTACACACTCTCCAGTAAATAGCACAATGAACACCAGATTGAT-3'
Protein context (NP_001159435.1, residues 1586-1606): GECVLKLISL[Arg1596Ser]HYYFTIGWNI

ClinVar aggregate classification (germline): Likely pathogenic (1 of 4 stars; one submission).

Conditions:
Early-infantile DEE. Also called: Ohtahara syndrome; Early infantile epileptic encephalopathy; Early infantile epileptic encephalopathy with suppression bursts. Identifiers: Orphanet 1934, MedGen C0393706, MONDO:0800491.

Submission:

Labcorp Genetics (formerly Invitae), Labcorp
Classification: Likely pathogenic for Early-infantile DEE. Last evaluated: 2022-08-18. Review status: criteria provided, single submitter. Criteria: Invitae Variant Classification Sherloc (09022015). Collection method: clinical testing. Allele origin: germline.
Comment: This sequence change replaces arginine, which is basic and polar, with serine, which is neutral and polar, at codon 1596 of the SCN1A protein (p.Arg1596Ser). This variant is not present in population databases (gnomAD no frequency). This variant has not been reported in the literature in individuals affected with SCN1A-related conditions. Advanced modeling of protein sequence and biophysical properties (such as structural, functional, and spatial information, amino acid conservation, physicochemical variation, residue mobility, and thermodynamic stability) performed at Invitae indicates that this missense variant is expected to disrupt SCN1A protein function. This variant disrupts the p.Arg1596 amino acid residue in SCN1A. Other variant(s) that disrupt this residue have been determined to be pathogenic (PMID: 17347258, 17903680, 26188943, 27781031). This suggests that this residue is clinically significant, and that variants that disrupt this residue are likely to be disease-causing. In summary, the currently available evidence indicates that the variant is pathogenic, but additional data are needed to prove that conclusively. Therefore, this variant has been classified as Likely Pathogenic.

Literature cited by the submitters: PubMed 17347258; PubMed 17903680; PubMed 26188943; PubMed 27781031.